The following is an entry in ClinVar:

NM_014908.4(DOLK):c.736G>C (p.Val246Leu)

Gene: DOLK (dolichol kinase; minus strand). Cytogenetic location: 9q34.11.
Variant type: single nucleotide variant.
Coding change: c.736G>C on transcript NM_014908.4 (MANE Select); coding-DNA position 736, G replaced by C.
Protein change: p.Val246Leu; replaces valine 246 with leucine.
Molecular consequence: missense variant.
Genome position (GRCh38, 1-based): chr9:128,946,568, C>G on the plus strand (G>C on the coding strand, the complement: DOLK is on the minus strand). VCF-style: chr9-128946568-C-G. GRCh37 (hg19) VCF-style: chr9-131708847-C-G.
Other names: c.736G>C (NM_014908.3); short protein forms V246L.
Identifiers: ClinVar variation 1488614 (VCV001488614.7), dbSNP rs1029841868, ClinGen allele CA200444942.

ClinVar aggregate classification (germline): Uncertain significance. Review status: criteria provided, multiple submitters, no conflicts (2 of 4 stars). 2 submissions from 2 submitters: Uncertain significance (2). Last evaluated 2024-07-01.

Conditions:
DK1-congenital disorder of glycosylation. Also called: DK1-CDG; CONGENITAL DISORDER OF GLYCOSYLATION, TYPE Im; CDG Im; DOLK-congenital disorder of glycosylation; Carbohydrate deficient glycoprotein syndrome type 1m; DK1 DEFICIENCY. Identifiers: Orphanet 91131, MedGen C1835849, MONDO:0012556, OMIM 610768.
Cardiovascular phenotype. Identifiers: MedGen CN230736.

Submissions (2):

Ambry Genetics
Classification: Uncertain significance for Cardiovascular phenotype. Last evaluated: 2024-07-01. Review status: criteria provided, single submitter. Criteria: Ambry Variant Classification Scheme 2023. Collection method: clinical testing. Allele origin: germline.
Comment: The p.V246L variant (also known as c.736G>C), located in coding exon 1 of the DOLK gene, results from a G to C substitution at nucleotide position 736. The valine at codon 246 is replaced by leucine, an amino acid with highly similar properties. This amino acid position is conserved. In addition, this alteration is predicted to be tolerated by in silico analysis. Based on the available evidence, the clinical significance of this variant remains unclear.

Labcorp Genetics (formerly Invitae), Labcorp
Classification: Uncertain significance for DK1-congenital disorder of glycosylation. Last evaluated: 2021-09-05. Review status: criteria provided, single submitter. Criteria: Invitae Variant Classification Sherloc (09022015). Collection method: clinical testing. Allele origin: germline.
Comment: This sequence change replaces valine with leucine at codon 246 of the DOLK protein (p.Val246Leu). The valine residue is moderately conserved and there is a small physicochemical difference between valine and leucine. This variant is not present in population databases (ExAC no frequency). This variant has not been reported in the literature in individuals affected with DOLK-related conditions. Algorithms developed to predict the effect of missense changes on protein structure and function (SIFT, PolyPhen-2, Align-GVGD) all suggest that this variant is likely to be tolerated. In summary, the available evidence is currently insufficient to determine the role of this variant in disease. Therefore, it has been classified as a Variant of Uncertain Significance.